The following is an entry in ClinVar:

NM_145728.3(SYNM):c.2238G>A (p.Val746=)

Gene: SYNM (synemin; plus strand). Cytogenetic location: 15q26.3.
Variant type: single nucleotide variant.
Coding change: c.2238G>A on transcript NM_145728.3 (MANE Select); coding-DNA position 2238, G replaced by A.
Protein change: p.Val746=; no amino-acid change (valine 746 retained).
Molecular consequence: synonymous variant.
Genome position (GRCh38, 1-based): chr15:99,130,598, G>A. VCF-style: chr15-99130598-G-A. GRCh37 (hg19) VCF-style: chr15-99670803-G-A.
Other names: c.2238G>A, p.Val746= (NM_015286.6).
Identifiers: ClinVar variation 3052885 (VCV003052885.1), dbSNP rs1248310897, ClinGen allele CA492471563.
Genomic context (GRCh38, chr15:99,130,598, plus strand): 5'-AGGAGACATCATCAACCTCGGCCTGAAAGGGAGGGAGGGGAGAGCAAAGGTCGTCAACGT[G>A]GAGATCGTGGAGGAGCCCGTGAGTTATGTCAGCGGGGAGAAGCCGGAGGAGTTTTCCGTC-3'
Protein context (NP_663780.2, residues 736-756): GREGRAKVVN[Val746=]EIVEEPVSYV

ClinVar aggregate classification (germline): Benign (1 of 4 stars; one submission).

Conditions:
SYNM-related disorder. Also called: SYNM-related condition.

Submission:

PreventionGenetics, part of Exact Sciences
Classification: Benign for SYNM-related condition. Last evaluated: 2019-02-20. Review status: criteria provided, single submitter. Criteria: ACMG Guidelines, 2015. Collection method: clinical testing. Allele origin: germline.
Comment: This variant is classified as benign based on ACMG/AMP sequence variant interpretation guidelines (Richards et al. 2015 PMID: 25741868, with internal and published modifications).